The following is an entry in ClinVar:

NM_001127898.4(CLCN5):c.293G>A (p.Arg98Gln)

Gene: CLCN5 (Cl-/H+ antiporter 5; plus strand). Cytogenetic location: Xp11.23.
Variant type: single nucleotide variant.
Coding change: c.293G>A on transcript NM_001127898.4 (MANE Select); coding-DNA position 293, G replaced by A.
Protein change: p.Arg98Gln; replaces arginine 98 with glutamine.
Molecular consequence: missense variant.
Genome position (GRCh38, 1-based): chrX:50,070,008, G>A. VCF-style: chrX-50070008-G-A. GRCh37 (hg19) VCF-style: chrX-49834663-G-A.
Other names: c.83G>A, p.Arg28Gln (NM_000084.5); c.293G>A, p.Arg98Gln (NM_001127899.4); c.143G>A, p.Arg48Gln (NM_001282163.2); c.83G>A (NM_000084.4); short protein forms R28Q, R48Q, R98Q.
Identifiers: ClinVar variation 3598360 (VCV003598360.2).

ClinVar aggregate classification (germline): Uncertain significance. Review status: criteria provided, multiple submitters, no conflicts (2 of 4 stars). 2 submissions from 2 submitters: Uncertain significance (2). Last evaluated 2026-02-25.

Conditions:
CLCN5-related disorder. Also called: CLCN5-related condition.
Hypophosphatemic rickets, X-linked recessive (XLHRR). Identifiers: Orphanet 1652, Orphanet 93622, MedGen C1845168, MONDO:0010358, OMIM 300554.
X-linked recessive nephrolithiasis with renal failure (XRN). Also called: NEPHROLITHIASIS 1; NEPHROLITHIASIS, X-LINKED RECESSIVE, TYPE 1; UROLITHIASIS, X-LINKED RECESSIVE, TYPE 1. Identifiers: Orphanet 1652, Orphanet 93622, MedGen C0403720, MONDO:0010687, OMIM 310468.
Dent disease type 1 (DENT1). Also called: NEPHROLITHIASIS 2; NEPHROLITHIASIS, HYPERCALCIURIC, X-LINKED. Identifiers: Orphanet 1652, Orphanet 93622, MedGen C1848336, MONDO:0010225, OMIM 300009.
Proteinuria, low molecular weight, with hypercalciuria and nephrocalcinosis. Identifiers: Orphanet 1652, Orphanet 93622, MedGen C1839874, MONDO:0010644, OMIM 308990.

gnomAD v4.1: 1 of 1,207,237 alleles (0.000083%); highest among the groups gnomAD compares: African/African-American, 0.0018%; no homozygotes.

Submissions (2):

PreventionGenetics, part of Exact Sciences
Classification: Uncertain significance for CLCN5-related condition. Last evaluated: 2026-02-25. Review status: criteria provided, single submitter. Criteria: ACMG Guidelines, 2015. Collection method: clinical testing. Allele origin: germline.
Comment: The CLCN5 c.83G>A variant is predicted to result in the amino acid substitution p.Arg28Gln. To our knowledge, this variant has not been reported in the literature. This variant is reported in 0.0076% of alleles in individuals of African descent in gnomAD. At this time, the clinical significance of this variant is uncertain due to the absence of conclusive functional and genetic evidence.

Fulgent Genetics
Classification: Uncertain significance for Dent disease type 1; Hypophosphatemic rickets, X-linked recessive; Proteinuria, low molecular weight, with hypercalciuria and nephrocalcinosis; X-linked recessive nephrolithiasis with renal failure. Last evaluated: 2024-03-07. Review status: criteria provided, single submitter. Criteria: ACMG Guidelines, 2015. Collection method: clinical testing. Allele origin: germline.